The following is an entry in ClinVar:

NM_022124.6(CDH23):c.3476T>G (p.Leu1159Arg)

Genes: C10orf105 (chromosome 10 open reading frame 105; minus strand), CDH23 (cadherin related 23; plus strand). Cytogenetic location: 10q22.1.
Variant type: single nucleotide variant.
Coding change: c.3476T>G on transcript NM_022124.6 (MANE Select); coding-DNA position 3476, T replaced by G.
Protein change: p.Leu1159Arg; replaces leucine 1159 with arginine.
Molecular consequence: missense variant. On other transcripts: intron variant (1).
Genome position (GRCh38, 1-based): chr10:71,725,417, T>G. VCF-style: chr10-71725417-T-G. GRCh37 (hg19) VCF-style: chr10-73485174-T-G.
Other names: c.3476T>G, p.Leu1159Arg (NM_001171930.2); c.-5-9075A>C (NM_001168390.2); short protein forms L1159R.
Identifiers: ClinVar variation 3899387 (VCV003899387.1).

ClinVar aggregate classification (germline): Uncertain significance (1 of 4 stars; one submission).

Conditions:
Usher syndrome type 1D (USH1D). Also called: USHER SYNDROME, TYPE ID. Identifiers: Orphanet 231169, Orphanet 886, MedGen C1832845, MONDO:0010984, OMIM 601067.
Pituitary adenoma 5, multiple types. Identifiers: MedGen C4539685, MONDO:0054601, OMIM 617540.
Autosomal recessive nonsyndromic hearing loss 12. Also called: DEAFNESS, AUTOSOMAL RECESSIVE 12. Identifiers: Orphanet 90636, MedGen C1832394, MONDO:0011067, OMIM 601386.

Submission:

Juno Genomics, Hangzhou Juno Genomics, Inc
Classification: Uncertain significance for Pituitary adenoma 5, multiple types; Autosomal recessive nonsyndromic hearing loss 12; Usher syndrome type 1D. Review status: criteria provided, single submitter. Criteria: ACMG Guidelines, 2015. Collection method: clinical testing. Allele origin: germline. Affected: yes.
Comment: Absent from controls (or at extremely low frequency if recessive) in Genome Aggregation Database, Exome Sequencing Project, 1000 Genomes Project, or Exome Aggregation Consortium.;Multiple lines of computational evidence support a deleterious effect on the gene or gene product (conservation, evolutionary, splicing impact, etc).;For recessive disorders, detected in trans with a pathogenic variant.